The following is an entry in ClinVar:

NM_006015.6(ARID1A):c.5857A>G (p.Lys1953Glu)

Gene: ARID1A (AT-rich interaction domain 1A; plus strand). Cytogenetic location: 1p36.11.
Variant type: single nucleotide variant.
Coding change: c.5857A>G on transcript NM_006015.6 (MANE Select); coding-DNA position 5857, A replaced by G.
Protein change: p.Lys1953Glu; replaces lysine 1953 with glutamic acid.
Molecular consequence: missense variant.
Genome position (GRCh38, 1-based): chr1:26,779,755, A>G. VCF-style: chr1-26779755-A-G. GRCh37 (hg19) VCF-style: chr1-27106246-A-G.
Other names: c.5206A>G, p.Lys1736Glu (NM_139135.4); short protein forms K1953E, K1736E.
Identifiers: ClinVar variation 2988647 (VCV002988647.3), dbSNP rs2081173684, ClinGen allele CA339188569.

ClinVar aggregate classification (germline): Uncertain significance (1 of 4 stars; one submission).

Allele frequency attached by ClinVar (database versions not stated): gnomAD 0.00001; TOPMed 0.00002.
gnomAD v4.1: 1 of 1,614,014 alleles (0.000062%); highest among the groups gnomAD compares: Admixed American, 0.0017%; no homozygotes.

Submission:

Labcorp Genetics (formerly Invitae), Labcorp
Classification: Uncertain significance. Last evaluated: 2023-12-11. Review status: criteria provided, single submitter. Criteria: Invitae Variant Classification Sherloc (09022015). Collection method: clinical testing. Allele origin: germline.
Comment: This sequence change replaces lysine, which is basic and polar, with glutamic acid, which is acidic and polar, at codon 1953 of the ARID1A protein (p.Lys1953Glu). This variant is not present in population databases (gnomAD no frequency). This variant has not been reported in the literature in individuals affected with ARID1A-related conditions. Advanced modeling of protein sequence and biophysical properties (such as structural, functional, and spatial information, amino acid conservation, physicochemical variation, residue mobility, and thermodynamic stability) performed at Invitae indicates that this missense variant is not expected to disrupt ARID1A protein function with a negative predictive value of 80%. In summary, the available evidence is currently insufficient to determine the role of this variant in disease. Therefore, it has been classified as a Variant of Uncertain Significance.